The following is an entry in ClinVar:

NM_001100.4(ACTA1):c.1030G>A (p.Gly344Ser)

Gene: ACTA1 (actin alpha 1, skeletal muscle; minus strand). Cytogenetic location: 1q42.13.
Variant type: single nucleotide variant.
Coding change: c.1030G>A on transcript NM_001100.4 (MANE Select); coding-DNA position 1030, G replaced by A.
Protein change: p.Gly344Ser; replaces glycine 344 with serine.
Molecular consequence: missense variant.
Genome position (GRCh38, 1-based): chr1:229,431,603, C>T on the plus strand (G>A on the coding strand, the complement: ACTA1 is on the minus strand). VCF-style: chr1-229431603-C-T. GRCh37 (hg19) VCF-style: chr1-229567350-C-T.
Other names: short protein forms G344S.
Identifiers: ClinVar variation 2108675 (VCV002108675.4), dbSNP rs2102735049, ClinGen allele CA345144742.

ClinVar aggregate classification (germline): Uncertain significance (1 of 4 stars; one submission).

Conditions:
Actin accumulation myopathy (CMYO2A). Also called: Myopathy, actin, congenital, with cores; Nemaline myopathy 3, with intranuclear rods; Nemaline myopathy type 3; Myopathy, actin, congenital, with excess of thin myofilaments; CONGENITAL MYOPATHY 2A, TYPICAL, AUTOSOMAL DOMINANT. Identifiers: Orphanet 98904, MedGen C3711389, MONDO:0008070, OMIM 161800.

Submission:

Labcorp Genetics (formerly Invitae), Labcorp
Classification: Uncertain significance for Actin accumulation myopathy. Last evaluated: 2022-03-11. Review status: criteria provided, single submitter. Criteria: Invitae Variant Classification Sherloc (09022015). Collection method: clinical testing. Allele origin: germline.
Comment: In summary, the available evidence is currently insufficient to determine the role of this variant in disease. Therefore, it has been classified as a Variant of Uncertain Significance. Advanced modeling of protein sequence and biophysical properties (such as structural, functional, and spatial information, amino acid conservation, physicochemical variation, residue mobility, and thermodynamic stability) performed at Invitae indicates that this missense variant is expected to disrupt ACTA1 protein function. This variant has not been reported in the literature in individuals affected with ACTA1-related conditions. This variant is not present in population databases (gnomAD no frequency). This sequence change replaces glycine, which is neutral and non-polar, with serine, which is neutral and polar, at codon 344 of the ACTA1 protein (p.Gly344Ser).